The following is an entry in ClinVar:

NM_001077350.3(NPRL3):c.763_766dup (p.Arg256fs)

Genes: HBA-LCR (alpha-globin locus control region; plus strand), NPRL3 (NPR3 like, GATOR1 complex subunit; minus strand). Cytogenetic location: 16p13.3.
Variant type: Duplication.
Coding change: c.763_766dup on transcript NM_001077350.3 (MANE Select); coding-DNA positions 763 to 766, 4 bases duplicated (ATCC; older notation c.763_766dupATCC).
Protein change: p.Arg256fs; shifts the reading frame from arginine 256.
Molecular consequence: frameshift variant.
Genome position (GRCh38, 1-based): chr16:100,373-100,376, GGAT duplicated on the plus strand (ATCC on the coding strand, the reverse complement: NPRL3 is on the minus strand); duplicating any 4 consecutive bases within chr16:100,373-100,378 gives the same sequence; the c. name uses the placement nearest the transcript's 3' end. VCF-style (leftmost placement, unchanged base first): chr16-100372-C-CGGAT. GRCh37 (hg19) VCF-style: chr16-150370-C-CGGAT.
Other names: c.226_229dup, p.Arg77fs (NM_001039476.3); c.529_532dup, p.Arg178fs (NM_001243247.2); c.688_691dup, p.Arg231fs (NM_001243248.2, NM_001243249.2); short protein forms R231fs, R178fs, R77fs, R256fs.
Identifiers: ClinVar variation 2834892 (VCV002834892.3), dbSNP rs2542832016, ClinGen allele CA2739269809.

ClinVar aggregate classification (germline): Pathogenic (1 of 4 stars; one submission).

Conditions:
Epilepsy, familial focal, with variable foci 3 (FFEVF3). Identifiers: MedGen C4310708, MONDO:0014925, OMIM 617118.

Submission:

Labcorp Genetics (formerly Invitae), Labcorp
Classification: Pathogenic for Epilepsy, familial focal, with variable foci 3. Last evaluated: 2023-02-05. Review status: criteria provided, single submitter. Criteria: Invitae Variant Classification Sherloc (09022015). Collection method: clinical testing. Allele origin: germline.
Comment: For these reasons, this variant has been classified as Pathogenic. This variant has not been reported in the literature in individuals affected with NPRL3-related conditions. This variant is not present in population databases (gnomAD no frequency). This sequence change creates a premature translational stop signal (p.Arg256Hisfs*12) in the NPRL3 gene. It is expected to result in an absent or disrupted protein product. Loss-of-function variants in NPRL3 are known to be pathogenic (PMID: 26285051, 26505888).

Literature cited by the submitters: PubMed 26285051; PubMed 26505888.